The following is an entry in ClinVar:

ClinVar aggregate classification (germline): Likely pathogenic. Review status: criteria provided, multiple submitters, no conflicts (2 of 4 stars). 2 submissions from 2 submitters: Likely pathogenic (2). Last evaluated 2026-09-08.

Conditions:
Fabry disease. Also called: Ceramide trihexosidosis; CERAMIDE TRIHEXOSIDASE DEFICIENCY; GLA DEFICIENCY; HEREDITARY DYSTOPIC LIPIDOSIS; ALPHA-GALACTOSIDASE A DEFICIENCY; ANDERSON-FABRY DISEASE. Identifiers: Orphanet 324, MedGen C0002986, MONDO:0010526, OMIM 301500, HP:0001071. Disease mechanism: loss of function, Fabry disease is due to inactivating mutations in the X-linked GLA gene resulting in deficiency of the enzyme Alpha Galactosidase-A..

Submissions (2):

Genomenon, Inc
Classification: Likely pathogenic for Fabry disease. Last evaluated: 2026-09-08. Review status: criteria provided, single submitter. Criteria: Genomenon Sequence Variant Interpretation Standards - Updated. Collection method: curation. Allele origin: germline. Affected: yes.
Comment: GLA p.Tyr184Asp (c.550T>G) is a missense variant that changes the amino acid at codon 184 from Tyrosine to Aspartic acid. This variant has been observed in at least one proband with clinical features consistent with Fabry disease (PMID:27585509;38002959). The variant was found to segregate with disease in at least one affected family (PMID:27585509;38002959). Functional or patient cell studies have been reported (PMID:27585509;36140787). It is absent or not present at a significant frequency in gnomAD. In silico models predict that this variant is possibly or probably damaging. In conclusion, we classify GLA p.Tyr184Asp (c.550T>G) as a likely pathogenic variant.

Women's Health and Genetics/Laboratory Corporation of America, LabCorp
Classification: Likely pathogenic for Fabry disease. Last evaluated: 2021-02-23. Review status: criteria provided, single submitter. Criteria: LabCorp Variant Classification Summary - May 2015. Collection method: clinical testing. Allele origin: germline.
Comment: Variant summary: GLA c.550T>G (p.Tyr184Asp) results in a non-conservative amino acid change in the encoded protein sequence. Five of five in-silico tools predict a damaging effect of the variant on protein function. The variant was absent in 179901 control chromosomes. c.550T>G has been reported in the literature in a study of individuals with suspected Andersen Fabry Disease with an LVH>15 mm in presence of substantial tissue accumulation of Gb3 GLA (Favalli_2016) and in female carriers reported to have a classic phenotype in the dbFGP database (Balendran_2020). A different variant, c.550T>A (p.Y184N) has also been reported with a phenotype of Fabry Disease in the HGMD and the dbFGP database. These data indicate that the variant is likely to be associated with disease. At least one publication reports experimental evidence evaluating an impact on protein function, however, does not allow convincing conclusions about the variant effect. No clinical diagnostic laboratories have submitted clinical-significance assessments for this variant to ClinVar after 2014. Based on the evidence outlined above, the variant was classified as likely pathogenic.

Literature cited by the submitters: PubMed 27585509 (cited by Genomenon, Inc and Women's Health and Genetics/Laboratory Corporation of America, LabCorp); PubMed 38002959 (cited by Genomenon, Inc); PubMed 36140787 (cited by Genomenon, Inc); PubMed 31860127 (cited by Women's Health and Genetics/Laboratory Corporation of America, LabCorp).

NM_000169.3(GLA):c.550T>G (p.Tyr184Asp)

Genes: GLA (galactosidase alpha; minus strand), RPL36A-HNRNPH2 (RPL36A-HNRNPH2 readthrough; plus strand). Cytogenetic location: Xq22.1.
Variant type: single nucleotide variant.
Coding change: c.550T>G on transcript NM_000169.3 (MANE Select); coding-DNA position 550, T replaced by G.
Protein change: p.Tyr184Asp; replaces tyrosine 184 with aspartic acid.
Molecular consequence: missense variant. On other transcripts: non-coding transcript variant (2), intron variant (2).
Genome position (GRCh38, 1-based): chrX:101,400,755, A>C on the plus strand (T>G on the coding strand, the complement: GLA is on the minus strand). VCF-style: chrX-101400755-A-C. GRCh37 (hg19) VCF-style: chrX-100655743-A-C.
Other names: c.673T>G, p.Tyr225Asp (NM_001406747.1); c.550T>G, p.Tyr184Asp (NM_001406748.1); c.300+5298A>C (NM_001199973.2); c.177+8933A>C (NM_001199974.2); short protein forms Y184D, Y225D.
Identifiers: ClinVar variation 997944 (VCV000997944.3), dbSNP rs1928287649, ClinGen allele CA413927985.
Genomic context (GRCh38, chrX:101,400,755, plus strand): 5'-ACTCACAGGAGTACACAATGCTTCTGCCAGTCCTATTCAGGGCCAAGGACATGTGCTTAT[A>C]ACCTGTATGAGAAAACAATGGGTAAAATAAGGGAAAGAAATGAATTTCCAGCTGGGGCTA-3'
Protein context (NP_000160.1, residues 174-194): CDSLENLADG[Tyr184Asp]KHMSLALNRT